The following is an entry in ClinVar:

ClinVar aggregate classification (germline): Conflicting classifications of pathogenicity. Review status: criteria provided, conflicting classifications (1 of 4 stars). 3 submissions from 3 submitters: Uncertain significance (1); Likely benign (2). Last evaluated 2025-10-28.

Conditions:
Pitt-Hopkins-like syndrome 2 (PTHSL2). Identifiers: Orphanet 221150, Orphanet 600663, MedGen C3280479, MONDO:0013690, OMIM 614325.

Allele frequency attached by ClinVar (database versions not stated): gnomAD 0.00001; TOPMed 0.00002; ExAC 0.00003; gnomAD exomes 0.00004; ESP Exome Variant Server 0.00008.
gnomAD v4.1: 106 of 1,608,524 alleles (0.0066%); highest among the groups gnomAD compares: Non-Finnish European, 0.008%; no homozygotes.

Submissions (3):

Labcorp Genetics (formerly Invitae), Labcorp
Classification: Likely benign for Pitt-Hopkins-like syndrome 2. Last evaluated: 2025-10-28. Review status: criteria provided, single submitter. Criteria: Invitae Variant Classification Sherloc (09022015). Collection method: clinical testing. Allele origin: germline.

GeneDx
Classification: Likely benign. Last evaluated: 2016-08-12. Review status: criteria provided, single submitter. Criteria: GeneDx Variant Classification (06012015). Collection method: clinical testing. Allele origin: germline. Affected: yes.
Comment: This variant is considered likely benign or benign based on one or more of the following criteria: it is a conservative change, it occurs at a poorly conserved position in the protein, it is predicted to be benign by multiple in silico algorithms, and/or has population frequency not consistent with disease.

Eurofins Ntd Llc (ga)
Classification: Uncertain significance. Last evaluated: 2013-01-03. Review status: criteria provided, single submitter. Criteria: EGL Classification Definitions 2015. Collection method: clinical testing. Allele origin: germline. Observed: 1 variant allele, 1 heterozygote.

NM_001330078.2(NRXN1):c.3042C>T (p.Thr1014=)

Gene: NRXN1 (neurexin 1; minus strand). Cytogenetic location: 2p16.3.
Variant type: single nucleotide variant.
Coding change: c.3042C>T on transcript NM_001330078.2 (MANE Select); coding-DNA position 3042, C replaced by T.
Protein change: p.Thr1014=; no amino-acid change (threonine 1014 retained).
Molecular consequence: synonymous variant.
Genome position (GRCh38, 1-based): chr2:50,495,933, G>A on the plus strand (C>T on the coding strand, the complement: NRXN1 is on the minus strand). VCF-style: chr2-50495933-G-A. GRCh37 (hg19) VCF-style: chr2-50723071-G-A.
Other names: c.3162C>T, p.Thr1054= (NM_001135659.3); c.3018C>T, p.Thr1006= (NM_001330077.2, NM_001330082.2); c.2976C>T, p.Thr992= (NM_001330083.2, NM_001330084.2); c.3015C>T, p.Thr1005= (NM_001330085.2); c.3042C>T, p.Thr1014= (NM_001330086.2, NM_004801.6); c.2931C>T, p.Thr977= (NM_001330087.2, NM_001330096.2); c.2961C>T, p.Thr987= (NM_001330088.2); c.3039C>T, p.Thr1013= (NM_001330093.2); and 2 more.
Identifiers: ClinVar variation 93596 (VCV000093596.13), dbSNP rs75137449, ClinGen allele CA221536.